The following is an entry in ClinVar:

ClinVar aggregate classification (germline): Pathogenic (1 of 4 stars; one submission).

Conditions:
Joubert syndrome. Also called: CEREBELLOPARENCHYMAL DISORDER IV; JOUBERT-BOLTSHAUSER SYNDROME; Familial aplasia of the vermis. Identifiers: Orphanet 475, MedGen C5979921, MONDO:0018772.
Nephronophthisis. Also called: Juvenile Nephronophthisis. Identifiers: Orphanet 655, MedGen C0687120, MONDO:0019005, HP:0000090.
Meckel-Gruber syndrome. Also called: DYSENCEPHALIA SPLANCHNOCYSTICA; GRUBER SYNDROME; Dysencephalia splachnocystica. Identifiers: Orphanet 564, MedGen C0265215, MONDO:0018921.

Submission:

Labcorp Genetics (formerly Invitae), Labcorp
Classification: Pathogenic for Joubert syndrome; Meckel-Gruber syndrome; Nephronophthisis. Last evaluated: 2023-04-22. Review status: criteria provided, single submitter. Criteria: Invitae Variant Classification Sherloc (09022015). Collection method: clinical testing. Allele origin: germline.
Comment: For these reasons, this variant has been classified as Pathogenic. This variant has not been reported in the literature in individuals affected with CEP290-related conditions. This variant is present in population databases (no rsID available, gnomAD 0.01%). This sequence change creates a premature translational stop signal (p.Glu1760*) in the CEP290 gene. It is expected to result in an absent or disrupted protein product. Loss-of-function variants in CEP290 are known to be pathogenic (PMID: 16909394, 17345604, 20690115).

Literature cited by the submitters: PubMed 16909394; PubMed 17345604; PubMed 20690115.

NM_025114.4(CEP290):c.5277dup (p.Glu1760Ter)

Gene: CEP290 (centrosomal protein 290; minus strand). Cytogenetic location: 12q21.32.
Variant type: Duplication.
Coding change: c.5277dup on transcript NM_025114.4 (MANE Select); coding-DNA position 5277, one base duplicated (T; older notation c.5277dupT).
Protein change: p.Glu1760Ter; replaces glutamic acid 1760 with a stop codon.
Molecular consequence: nonsense.
Genome position (GRCh38, 1-based): chr12:88,079,179, A duplicated on the plus strand (T on the coding strand, the reverse complement: CEP290 is on the minus strand). VCF-style (leftmost placement, unchanged base first): chr12-88079178-C-CA. GRCh37 (hg19) VCF-style: chr12-88472955-C-CA.
Other names: short protein forms E1760*.
Identifiers: ClinVar variation 2922862 (VCV002922862.3), dbSNP rs1158268529, ClinGen allele CA606453860.
Genomic context (GRCh38, chr12:88,079,178, plus strand): 5'-CGATTTGTTGAACATTGAGATGGGCCTCTTTTTGAGAAGTTGCAGAAATAATACGTTCTT[C>CA]AGCAGCTGCTGTCATTTCTGCCCGGAGTTCTAAAAGTGCCCGACTAAGTGCCTAAAAATT-3'